The following is an entry in ClinVar:

NM_138701.4(MPLKIP):c.2T>C (p.Met1Thr)

Gene: MPLKIP (M-phase specific PLK1 interacting protein; minus strand). Cytogenetic location: 7p14.1.
Variant type: single nucleotide variant.
Coding change: c.2T>C on transcript NM_138701.4 (MANE Select); coding-DNA position 2, T replaced by C.
Protein change: p.Met1Thr; changes the start codon (methionine 1).
Molecular consequence: missense variant, initiator codon variant.
Genome position (GRCh38, 1-based): chr7:40,134,566, A>G on the plus strand (T>C on the coding strand, the complement: MPLKIP is on the minus strand). VCF-style: chr7-40134566-A-G. GRCh37 (hg19) VCF-style: chr7-40174165-A-G.
Other names: short protein forms M1T.
Identifiers: ClinVar variation 1504988 (VCV001504988.7), dbSNP rs776034351, ClinGen allele CA4229265.

ClinVar aggregate classification (germline): Uncertain significance (1 of 4 stars; one submission).

Allele frequency attached by ClinVar (database versions not stated): TOPMed 0.00002; gnomAD exomes 0.00003 and 0.00007.

Submission:

Labcorp Genetics (formerly Invitae), Labcorp
Classification: Uncertain significance. Last evaluated: 2022-06-20. Review status: criteria provided, single submitter. Criteria: Invitae Variant Classification Sherloc (09022015). Collection method: clinical testing. Allele origin: germline.
Comment: In summary, the available evidence is currently insufficient to determine the role of this variant in disease. Therefore, it has been classified as a Variant of Uncertain Significance. Experimental studies and prediction algorithms are not available or were not evaluated, and the functional significance of this variant is currently unknown. Disruption of the initiator codon has been observed in individual(s) with non-photosensitive trichothiodystrophy (PMID: 25290684). This variant is present in population databases (rs776034351, gnomAD 0.008%). This sequence change affects the initiator methionine of the MPLKIP mRNA. The next in-frame methionine is located at codon 132.

Literature cited by the submitters: PubMed 25290684.